The following is an entry in ClinVar:

NM_001184.4(ATR):c.737C>A (p.Ser246Tyr)

Gene: ATR (ATR checkpoint kinase; minus strand). Cytogenetic location: 3q23.
Variant type: single nucleotide variant.
Coding change: c.737C>A on transcript NM_001184.4 (MANE Select); coding-DNA position 737, C replaced by A.
Protein change: p.Ser246Tyr; replaces serine 246 with tyrosine.
Molecular consequence: missense variant.
Genome position (GRCh38, 1-based): chr3:142,562,665, G>T on the plus strand (C>A on the coding strand, the complement: ATR is on the minus strand). VCF-style: chr3-142562665-G-T. GRCh37 (hg19) VCF-style: chr3-142281507-G-T.
Other names: c.737C>A, p.Ser246Tyr (NM_001354579.2); short protein forms S246Y.
Identifiers: ClinVar variation 1758602 (VCV001758602.4), dbSNP rs1169992874, ClinGen allele CA354825764.

ClinVar aggregate classification (germline): Uncertain significance. Review status: criteria provided, multiple submitters, no conflicts (2 of 4 stars). 2 submissions from 2 submitters: Uncertain significance (2). Last evaluated 2024-04-26.

Conditions:
Inborn genetic diseases. Identifiers: MedGen C0950123, MeSH D030342.

Allele frequency attached by ClinVar (database versions not stated): gnomAD exomes below 0.00001; TOPMed below 0.00001; gnomAD 0.00001.
gnomAD v4.1: 7 of 1,613,880 alleles (0.00043%); highest among the groups gnomAD compares: Non-Finnish European, 0.00059%; no homozygotes.

Submissions (2):

Ambry Genetics
Classification: Uncertain significance for Inborn genetic diseases. Last evaluated: 2024-04-26. Review status: criteria provided, single submitter. Criteria: Ambry Variant Classification Scheme 2023. Collection method: clinical testing. Allele origin: germline.
Comment: The p.S246Y variant (also known as c.737C>A), located in coding exon 4 of the ATR gene, results from a C to A substitution at nucleotide position 737. The serine at codon 246 is replaced by tyrosine, an amino acid with dissimilar properties. This amino acid position is conserved. In addition, this alteration is predicted to be tolerated by in silico analysis. Since supporting evidence is limited at this time, the clinical significance of this alteration remains unclear.

Blueprint Genetics
Classification: Uncertain significance. Last evaluated: 2021-08-20. Review status: criteria provided, single submitter. Criteria: ACMG Guidelines, 2015. Collection method: clinical testing. Allele origin: germline.